The following is an entry in ClinVar:

ClinVar aggregate classification (germline): Uncertain significance. Review status: criteria provided, multiple submitters, no conflicts (2 of 4 stars). 2 submissions from 2 submitters: Uncertain significance (2). Last evaluated 2025-04-01.

Submissions (2):

Ambry Genetics
Classification: Uncertain significance. Last evaluated: 2025-04-01. Review status: criteria provided, single submitter. Criteria: Ambry Variant Classification Scheme 2023. Collection method: clinical testing. Allele origin: germline.
Comment: The p.S9R variant (also known as c.27C>G), located in coding exon 1 of the ATRIP gene, results from a C to G substitution at nucleotide position 27. The serine at codon 9 is replaced by arginine, an amino acid with dissimilar properties. This amino acid position is conserved. In addition, this alteration is predicted to be tolerated by in silico analysis. Based on the available evidence, the clinical significance of this variant remains unclear.

Labcorp Genetics (formerly Invitae), Labcorp
Classification: Uncertain significance. Last evaluated: 2023-02-07. Review status: criteria provided, single submitter. Criteria: Invitae Variant Classification Sherloc (09022015). Collection method: clinical testing. Allele origin: germline.
Comment: This variant has not been reported in the literature in individuals affected with ATRIP-related conditions. This sequence change replaces serine, which is neutral and polar, with arginine, which is basic and polar, at codon 9 of the ATRIP protein (p.Ser9Arg). This variant is not present in population databases (gnomAD no frequency). Algorithms developed to predict the effect of missense changes on protein structure and function (SIFT, PolyPhen-2, Align-GVGD) all suggest that this variant is likely to be tolerated. In summary, the available evidence is currently insufficient to determine the role of this variant in disease. Therefore, it has been classified as a Variant of Uncertain Significance.

NM_130384.3(ATRIP):c.27C>G (p.Ser9Arg)

Genes: ATRIP (ATR interacting protein; plus strand), ATRIP-TREX1 (ATRIP-TREX1 readthrough; plus strand), LOC129936703 (ATAC-STARR-seq lymphoblastoid silent region 14331; plus strand). Cytogenetic location: 3p21.31.
Variant type: single nucleotide variant.
Coding change: c.27C>G on transcript NM_130384.3 (MANE Select); coding-DNA position 27, C replaced by G.
Protein change: p.Ser9Arg; replaces serine 9 with arginine.
Molecular consequence: missense variant. On other transcripts: non-coding transcript variant (1), intron variant (1).
Genome position (GRCh38, 1-based): chr3:48,446,872, C>G. VCF-style: chr3-48446872-C-G. GRCh37 (hg19) VCF-style: chr3-48488276-C-G.
Other names: c.27C>G (NM_130384.1); c.27C>G, p.Ser9Arg (NM_032166.4); c.-218+73C>G (NM_001271022.2); short protein forms S9R.
Identifiers: ClinVar variation 2835215 (VCV002835215.4), dbSNP rs2529918667, ClinGen allele CA352702323.